The following is an entry in ClinVar:

NM_002907.4(RECQL):c.1475A>T (p.Tyr492Phe)

Gene: RECQL (RecQ like helicase; minus strand). Cytogenetic location: 12p12.1.
Variant type: single nucleotide variant.
Coding change: c.1475A>T on transcript NM_002907.4 (MANE Select); coding-DNA position 1475, A replaced by T.
Protein change: p.Tyr492Phe; replaces tyrosine 492 with phenylalanine.
Molecular consequence: missense variant.
Genome position (GRCh38, 1-based): chr12:21,471,620, T>A on the plus strand (A>T on the coding strand, the complement: RECQL is on the minus strand). VCF-style: chr12-21471620-T-A. GRCh37 (hg19) VCF-style: chr12-21624554-T-A.
Other names: c.1475A>T, p.Tyr492Phe (NM_032941.3); short protein forms Y492F.
Identifiers: ClinVar variation 4863114 (VCV004863114.1).

ClinVar aggregate classification (germline): Uncertain significance (1 of 4 stars; one submission).

Submission:

Ambry Genetics
Classification: Uncertain significance. Last evaluated: 2026-03-30. Review status: criteria provided, single submitter. Criteria: Ambry Variant Classification Scheme 2023. Collection method: clinical testing. Allele origin: germline.
Comment: The p.Y492F variant (also known as c.1475A>T), located in coding exon 12 of the RECQL gene, results from an A to T substitution at nucleotide position 1475. The tyrosine at codon 492 is replaced by phenylalanine, an amino acid with highly similar properties. This amino acid position is conserved. In addition, this alteration is predicted to be tolerated by in silico analysis. Based on the available evidence, the clinical significance of this variant remains unclear.